The following is an entry in ClinVar:

ClinVar aggregate classification (germline): Benign/Likely benign. Review status: criteria provided, multiple submitters, no conflicts (2 of 4 stars). 5 submissions from 5 submitters: Benign (1); Likely benign (4). Last evaluated 2026-09-01.

Conditions:
Early-infantile DEE. Also called: Early infantile epileptic encephalopathy with suppression bursts; Early infantile epileptic encephalopathy; Ohtahara syndrome. Identifiers: Orphanet 1934, MedGen C0393706, MONDO:0800491.
Inborn genetic diseases. Identifiers: MedGen C0950123, MeSH D030342.

Allele frequency attached by ClinVar (database versions not stated): ESP Exome Variant Server 0.00008; TOPMed 0.00010; gnomAD exomes 0.00014 and 0.00016; ExAC 0.00019; gnomAD 0.00021 and 0.00023.
gnomAD v4.1: 236 of 1,614,234 alleles (0.015%); highest among the groups gnomAD compares: Non-Finnish European, 0.016%; no homozygotes.

Submissions (5):

CeGaT Center for Human Genetics Tuebingen
Classification: Likely benign. Last evaluated: 2026-09-01. Review status: criteria provided, single submitter. Criteria: CeGaT Center For Human Genetics Tuebingen Variant Classification Criteria Version 2. Collection method: clinical testing. Allele origin: germline. Affected: yes. Observed: 15 variant alleles.
Comment: SCN8A: BP4, BP7

Labcorp Genetics (formerly Invitae), Labcorp
Classification: Benign for Early-infantile DEE. Last evaluated: 2026-01-19. Review status: criteria provided, single submitter. Criteria: Invitae Variant Classification Sherloc (09022015). Collection method: clinical testing. Allele origin: germline.

Blueprint Genetics
Classification: Likely benign. Last evaluated: 2024-11-06. Review status: criteria provided, single submitter. Criteria: ACMG Guidelines, 2015. Collection method: clinical testing. Allele origin: germline.

GeneDx
Classification: Likely benign. Last evaluated: 2020-01-02. Review status: criteria provided, single submitter. Criteria: GeneDx Variant Classification Process June 2021. Collection method: clinical testing. Allele origin: germline. Affected: yes.

Ambry Genetics
Classification: Likely benign for Inborn genetic diseases. Last evaluated: 2016-06-24. Review status: criteria provided, single submitter. Criteria: Ambry Variant Classification Scheme 2023. Collection method: clinical testing. Allele origin: germline.

NM_001330260.2(SCN8A):c.4969C>T (p.Leu1657=)

Gene: SCN8A (sodium voltage-gated channel alpha subunit 8; plus strand). Cytogenetic location: 12q13.13.
Variant type: single nucleotide variant.
Coding change: c.4969C>T on transcript NM_001330260.2 (MANE Select); coding-DNA position 4969, C replaced by T.
Protein change: p.Leu1657=; no amino-acid change (leucine 1657 retained).
Molecular consequence: synonymous variant.
Genome position (GRCh38, 1-based): chr12:51,806,455, C>T. VCF-style: chr12-51806455-C-T. GRCh37 (hg19) VCF-style: chr12-52200239-C-T.
Other names: c.4846C>T, p.Leu1616= (NM_001177984.3, NM_001369788.1); c.4969C>T, p.Leu1657= (NM_014191.4).
Identifiers: ClinVar variation 381707 (VCV000381707.56), dbSNP rs374755275, ClinGen allele CA6571883.
Genomic context (GRCh38, chr12:51,806,455, plus strand): 5'-ATTCGTACCCTGCTCTTTGCCTTAATGATGTCCTTGCCTGCCCTGTTCAACATCGGCCTT[C>T]TGCTCTTCCTGGTCATGTTCATCTTCTCCATTTTTGGGATGTCCAATTTTGCATATGTGA-3'
Protein context (NP_001317189.1, residues 1647-1667): SLPALFNIGL[Leu1657=]LFLVMFIFSI